The following is an entry in ClinVar:

NM_001276345.2(TNNT2):c.230C>T (p.Pro77Leu)

Gene: TNNT2 (troponin T2, cardiac type; minus strand). Cytogenetic location: 1q32.1.
Variant type: single nucleotide variant.
Coding change: c.230C>T on transcript NM_001276345.2 (MANE Select); coding-DNA position 230, C replaced by T.
Protein change: p.Pro77Leu; replaces proline 77 with leucine.
Molecular consequence: missense variant.
Genome position (GRCh38, 1-based): chr1:201,366,841, G>A on the plus strand (C>T on the coding strand, the complement: TNNT2 is on the minus strand). VCF-style: chr1-201366841-G-A. GRCh37 (hg19) VCF-style: chr1-201335969-G-A.
Other names: c.230C>T, p.Pro77Leu (NM_000364.4); c.200C>T, p.Pro67Leu (NM_001001430.3, NM_001001431.3, NM_001276347.2); c.185C>T, p.Pro62Leu (NM_001001432.3); c.227C>T, p.Pro76Leu (NM_001276346.2); short protein forms P67L, P77L, P62L, P76L.
Identifiers: ClinVar variation 1414413 (VCV001414413.7), dbSNP rs769040140, ClinGen allele CA088085.

ClinVar aggregate classification (germline): Uncertain significance. Review status: criteria provided, multiple submitters, no conflicts (2 of 4 stars). 2 submissions from 2 submitters: Uncertain significance (2). Last evaluated 2024-05-14.

Conditions:
Cardiomyopathy (CMYO). Also called: Cardiomyopathies. Identifiers: Orphanet 167848, MedGen C0878544, MONDO:0004994, HP:0001638. Inheritance: Various modes of inheritance.
Dilated cardiomyopathy 1D. Identifiers: Orphanet 154, Orphanet 54260, MedGen C1832243, MONDO:0011095, OMIM 601494.
Cardiomyopathy, familial restrictive, 3. Identifiers: Orphanet 75249, MedGen C2676271, MONDO:0012900, OMIM 612422.
Hypertrophic cardiomyopathy 2. Also called: TNNT2-Related Familial Hypertrophic Cardiomyopathy. Identifiers: MedGen C1861864, MONDO:0007266, OMIM 115195.

Allele frequency attached by ClinVar (database versions not stated): gnomAD exomes 0.00001; ExAC 0.00002.
gnomAD v4.1: 5 of 1,614,032 alleles (0.00031%); highest among the groups gnomAD compares: South Asian, 0.0011%; no homozygotes.

Submissions (2):

All of Us Research Program, National Institutes of Health
Classification: Uncertain significance for Cardiomyopathy. Last evaluated: 2024-05-14. Review status: criteria provided, single submitter. Criteria: ACMG Guidelines, 2015. Collection method: clinical testing. Allele origin: germline. Inheritance: Autosomal dominant inheritance. Observed: 1 variant allele, 1 heterozygote.
Comment: This missense variant replaces proline with leucine at codon 67 of the TNNT2 protein. Computational prediction tools indicate that this variant's impact on protein structure and function is inconclusive. To our knowledge, functional studies have not been reported for this variant. This variant has not been reported in individuals affected with TNNT2-related disorders in the literature. This variant has been identified in 3/251452 chromosomes in the general population by the Genome Aggregation Database (gnomAD). The available evidence is insufficient to determine the role of this variant in disease conclusively. Therefore, this variant is classified as a Variant of Uncertain Significance.

This study involves interpretation of variants in research participants for the purpose of population health screening. Participant phenotype was not available at the time of variant classification. Additional details can be found in publication PMID: 35346344, PMCID: PMC8962531

Labcorp Genetics (formerly Invitae), Labcorp
Classification: Uncertain significance for Cardiomyopathy, familial restrictive, 3; Hypertrophic cardiomyopathy 2; Dilated cardiomyopathy 1D. Last evaluated: 2021-09-18. Review status: criteria provided, single submitter. Criteria: Invitae Variant Classification Sherloc (09022015). Collection method: clinical testing. Allele origin: germline.
Comment: This sequence change replaces proline with leucine at codon 67 of the TNNT2 protein (p.Pro67Leu). The proline residue is weakly conserved and there is a moderate physicochemical difference between proline and leucine. This variant is present in population databases (rs769040140, ExAC 0.003%). This missense change has been observed in individual(s) with clinical features of TNNT2-related conditions (Invitae). Algorithms developed to predict the effect of missense changes on protein structure and function are either unavailable or do not agree on the potential impact of this missense change (SIFT: "Deleterious"; PolyPhen-2: "Possibly Damaging"; Align-GVGD: "Class C0"). In summary, the available evidence is currently insufficient to determine the role of this variant in disease. Therefore, it has been classified as a Variant of Uncertain Significance.